The following is an entry in ClinVar:

ClinVar aggregate classification (germline): Pathogenic. Review status: criteria provided, single submitter (1 of 4 stars). 2 submissions from 2 submitters: Pathogenic (1). 1 of the submissions does not count toward it. Last evaluated 2025-11-18.

Conditions:
Osteogenesis imperfecta type I (OI1). Also called: OI, TYPE I; OSTEOGENESIS IMPERFECTA TARDA; OSTEOGENESIS IMPERFECTA WITH BLUE SCLERAE; Osteogenesis imperfecta type 1; Classic Non-deforming Osteogenesis Imperfecta with Blue Sclerae; Lobstein's Disease. Identifiers: Orphanet 216796, Orphanet 666, MedGen C0023931, MONDO:0008146, OMIM 166200. Disease mechanism: loss of function.
Ehlers-Danlos syndrome, classic type, 1 (EDSCL1). Also called: EHLERS-DANLOS SYNDROME, GRAVIS TYPE; EHLERS-DANLOS SYNDROME, SEVERE CLASSIC TYPE; EDS I; Ehlers-Danlos Syndrome, Classic Type, COL5A1-Related; Ehlers-Danlos syndrome, type 1. Identifiers: MedGen C0268335, MONDO:0019567, OMIM 130000.
Dentinogenesis imperfecta. Identifiers: Orphanet 49042, MedGen C0011436, MONDO:0018849, HP:0000703.

Submissions (2):

Labcorp Genetics (formerly Invitae), Labcorp
Classification: Pathogenic for Osteogenesis imperfecta type I; Ehlers-Danlos syndrome, classic type, 1. Last evaluated: 2025-11-18. Review status: criteria provided, single submitter. Criteria: Invitae Variant Classification Sherloc (09022015). Collection method: clinical testing. Allele origin: germline.
Comment: This sequence change replaces glycine, which is neutral and non-polar, with aspartic acid, which is acidic and polar, at codon 1078 of the COL1A2 protein (p.Gly1078Asp). This variant is not present in population databases (gnomAD no frequency). This missense change has been observed in individual(s) with autosomal dominant osteogenesis imperfecta (PMID: 17078022). ClinVar contains an entry for this variant (Variation ID: 1098566). Invitae Evidence Modeling of protein sequence and biophysical properties (such as structural, functional, and spatial information, amino acid conservation, physicochemical variation, residue mobility, and thermodynamic stability) indicates that this missense variant is expected to disrupt COL1A2 protein function with a positive predictive value of 95%. This variant disrupts the triple helix domain of COL1A2. Glycine residues within the Gly-Xaa-Yaa repeats of the triple helix domain are required for the structure and stability of fibrillar collagens (PMID: 7695699, 8218237, 19344236). In COL1A2, variants affecting these glycine residues are significantly enriched in individuals with disease (PMID: 9016532, 17078022) compared to the general population (ExAC). For these reasons, this variant has been classified as Pathogenic.

Dental Genetics Laboratory, Seoul National University School of Dentistry
Classification: Pathogenic for Dentinogenesis imperfecta. Review status: no assertion criteria provided. Collection method: clinical testing. Allele origin: inherited. Inheritance: Autosomal dominant inheritance. Affected: yes. Observed: 1 variant allele, 1 heterozygote. Not counted in ClinVar's aggregate classification.

Literature cited by the submitters: PubMed 17078022 (cited by Labcorp Genetics (formerly Invitae), Labcorp); PubMed 7695699 (cited by Labcorp Genetics (formerly Invitae), Labcorp); PubMed 8218237 (cited by Labcorp Genetics (formerly Invitae), Labcorp); PubMed 19344236 (cited by Labcorp Genetics (formerly Invitae), Labcorp); PubMed 9016532 (cited by Labcorp Genetics (formerly Invitae), Labcorp).

NM_000089.4(COL1A2):c.3233G>A (p.Gly1078Asp)

Gene: COL1A2 (collagen type I alpha 2 chain; plus strand). Cytogenetic location: 7q21.3.
Variant type: single nucleotide variant.
Coding change: c.3233G>A on transcript NM_000089.4 (MANE Select); coding-DNA position 3233, G replaced by A.
Protein change: p.Gly1078Asp; replaces glycine 1078 with aspartic acid.
Molecular consequence: missense variant.
Genome position (GRCh38, 1-based): chr7:94,427,261, G>A. VCF-style: chr7-94427261-G-A. GRCh37 (hg19) VCF-style: chr7-94056573-G-A.
Other names: short protein forms G1078D.
Identifiers: ClinVar variation 1098566 (VCV001098566.10), dbSNP rs72659332, ClinGen allele CA162940814.